The following is an entry in ClinVar:

ClinVar aggregate classification (germline): Pathogenic (1 of 4 stars; one submission).

gnomAD v4.1: 6 of 1,613,264 alleles (0.00037%); highest among the groups gnomAD compares: Admixed American, 0.0017%; no homozygotes.

Submission:

Labcorp Genetics (formerly Invitae), Labcorp
Classification: Pathogenic. Last evaluated: 2025-04-11. Review status: criteria provided, single submitter. Criteria: Invitae Variant Classification Sherloc (09022015). Collection method: clinical testing. Allele origin: germline.
Comment: This sequence change creates a premature translational stop signal (p.Arg902*) in the ADAMTS18 gene. It is expected to result in an absent or disrupted protein product. Loss-of-function variants in ADAMTS18 are known to be pathogenic (PMID: 23818446, 24874986). This variant is not present in population databases (gnomAD no frequency). This variant has not been reported in the literature in individuals affected with ADAMTS18-related conditions. Algorithms developed to predict the effect of sequence changes on RNA splicing suggest that this variant may disrupt the consensus splice site. For these reasons, this variant has been classified as Pathogenic.

Literature cited by the submitters: PubMed 23818446; PubMed 24874986.

NM_199355.4(ADAMTS18):c.2704C>T (p.Arg902Ter)

Gene: ADAMTS18 (ADAM metallopeptidase with thrombospondin type 1 motif 18; minus strand). Cytogenetic location: 16q23.1.
Variant type: single nucleotide variant.
Coding change: c.2704C>T on transcript NM_199355.4 (MANE Select); coding-DNA position 2704, C replaced by T.
Protein change: p.Arg902Ter; replaces arginine 902 with a stop codon.
Molecular consequence: nonsense.
Genome position (GRCh38, 1-based): chr16:77,297,386, G>A on the plus strand (C>T on the coding strand, the complement: ADAMTS18 is on the minus strand). VCF-style: chr16-77297386-G-A. GRCh37 (hg19) VCF-style: chr16-77331283-G-A.
Other names: c.2188C>T, p.Arg730Ter (NM_001326358.2); short protein forms R730*, R902*.
Identifiers: ClinVar variation 4768516 (VCV004768516.1).